The following is an entry in ClinVar:

NM_016103.4(SAR1B):c.321G>C (p.Arg107Ser)

Gene: SAR1B (secretion associated Ras related GTPase 1B; minus strand). Cytogenetic location: 5q31.1.
Variant type: single nucleotide variant.
Coding change: c.321G>C on transcript NM_016103.4 (MANE Select); coding-DNA position 321, G replaced by C.
Protein change: p.Arg107Ser; replaces arginine 107 with serine.
Molecular consequence: missense variant.
Genome position (GRCh38, 1-based): chr5:134,609,598, C>G on the plus strand (G>C on the coding strand, the complement: SAR1B is on the minus strand). VCF-style: chr5-134609598-C-G. GRCh37 (hg19) VCF-style: chr5-133945288-C-G.
Other names: c.321G>C, p.Arg107Ser (NM_001033503.3); short protein forms R107S.
Identifiers: ClinVar variation 2908440 (VCV002908440.2), dbSNP rs140899111, ClinGen allele CA361000372.

ClinVar aggregate classification (germline): Uncertain significance (1 of 4 stars; one submission).

gnomAD v4.1: 12 of 1,613,954 alleles (0.00074%); highest among the groups gnomAD compares: Non-Finnish European, 0.001%; no homozygotes.

Submission:

Labcorp Genetics (formerly Invitae), Labcorp
Classification: Uncertain significance. Last evaluated: 2024-02-27. Review status: criteria provided, single submitter. Criteria: Invitae Variant Classification Sherloc (09022015). Collection method: clinical testing. Allele origin: germline.
Comment: This sequence change replaces arginine, which is basic and polar, with serine, which is neutral and polar, at codon 107 of the SAR1B protein (p.Arg107Ser). This variant is present in population databases (no rsID available, gnomAD 0.004%). This variant has not been reported in the literature in individuals affected with SAR1B-related conditions. An algorithm developed to predict the effect of missense changes on protein structure and function (PolyPhen-2) suggests that this variant¬¨‚Ä†is likely to be tolerated. In summary, the available evidence is currently insufficient to determine the role of this variant in disease. Therefore, it has been classified as a Variant of Uncertain Significance.